The following is an entry in ClinVar:

ClinVar aggregate classification (germline): Uncertain significance (1 of 4 stars; one submission).

Allele frequency attached by ClinVar (database versions not stated): gnomAD exomes 0.00001.
gnomAD v4.1: 12 of 1,612,806 alleles (0.00074%); highest among the groups gnomAD compares: Non-Finnish European, 0.001%; no homozygotes.

Submission:

Labcorp Genetics (formerly Invitae), Labcorp
Classification: Uncertain significance. Last evaluated: 2022-04-25. Review status: criteria provided, single submitter. Criteria: Invitae Variant Classification Sherloc (09022015). Collection method: clinical testing. Allele origin: germline.
Comment: This sequence change replaces asparagine, which is neutral and polar, with threonine, which is neutral and polar, at codon 1105 of the CACNA2D4 protein (p.Asn1105Thr). This variant is present in population databases (no rsID available, gnomAD 0.0009%). This variant has not been reported in the literature in individuals affected with CACNA2D4-related conditions. Algorithms developed to predict the effect of missense changes on protein structure and function are either unavailable or do not agree on the potential impact of this missense change (SIFT: "Deleterious"; PolyPhen-2: "Benign"; Align-GVGD: "Class C0"). In summary, the available evidence is currently insufficient to determine the role of this variant in disease. Therefore, it has been classified as a Variant of Uncertain Significance.

NM_172364.5(CACNA2D4):c.3314A>C (p.Asn1105Thr)

Gene: CACNA2D4 (calcium voltage-gated channel auxiliary subunit alpha2delta 4; minus strand). Cytogenetic location: 12p13.33.
Variant type: single nucleotide variant.
Coding change: c.3314A>C on transcript NM_172364.5 (MANE Select); coding-DNA position 3314, A replaced by C.
Protein change: p.Asn1105Thr; replaces asparagine 1105 with threonine.
Molecular consequence: missense variant.
Genome position (GRCh38, 1-based): chr12:1,793,755, T>G on the plus strand (A>C on the coding strand, the complement: CACNA2D4 is on the minus strand). VCF-style: chr12-1793755-T-G. GRCh37 (hg19) VCF-style: chr12-1902921-T-G.
Other names: short protein forms N1105T.
Identifiers: ClinVar variation 2179078 (VCV002179078.4), dbSNP rs1234352125, ClinGen allele CA383346927.
Genomic context (GRCh38, chr12:1,793,755, plus strand): 5'-GGCAGCAGGAGTAGGGGCGGCGAGGCTGAGGTGTCCGAGGCGCCGCCGCAGTCCTGGGCA[T>G]TCTCCTGCGAACGCAGAGCAGAGGTGACAGCGCGGCGCTCAGAGGAGGACCCTCAAAAAG-3'
Protein context (NP_758952.4, residues 1095-1115): DSCHAFHPEE[Asn1105Thr]AQDCGGASDT